The following is an entry in ClinVar:

ClinVar aggregate classification (germline): Uncertain significance. Review status: criteria provided, multiple submitters, no conflicts (2 of 4 stars). 2 submissions from 2 submitters: Uncertain significance (2). Last evaluated 2024-02-22.

Conditions:
Tumor predisposition syndrome 3 (TPDS3). Also called: Melanoma, cutaneous malignant, susceptibility to, 10; Glioma susceptibility 9; LONG TELOMERE SYNDROME, POT1-RELATED; POT1 Tumor Predisposition. Identifiers: Orphanet 618, MedGen C4014476, MONDO:0014368, OMIM 615848.
Hereditary cancer-predisposing syndrome. Also called: Neoplastic Syndromes, Hereditary; Hereditary Cancer Syndrome; Hereditary neoplastic syndrome; Tumor predisposition. Identifiers: Orphanet 140162, MedGen C0027672, MeSH D009386, MONDO:0015356.

Allele frequency attached by ClinVar (database versions not stated): gnomAD exomes 0.00001.
gnomAD v4.1: 4 of 1,609,004 alleles (0.00025%); highest among the groups gnomAD compares: Non-Finnish European, 0.00034%; no homozygotes.

Submissions (2):

Labcorp Genetics (formerly Invitae), Labcorp
Classification: Uncertain significance for Tumor predisposition syndrome 3. Last evaluated: 2024-02-22. Review status: criteria provided, single submitter. Criteria: Invitae Variant Classification Sherloc (09022015). Collection method: clinical testing. Allele origin: germline.
Comment: This sequence change replaces threonine, which is neutral and polar, with arginine, which is basic and polar, at codon 616 of the POT1 protein (p.Thr616Arg). This variant is not present in population databases (gnomAD no frequency). This variant has not been reported in the literature in individuals affected with POT1-related conditions. ClinVar contains an entry for this variant (Variation ID: 2159563). Advanced modeling of protein sequence and biophysical properties (such as structural, functional, and spatial information, amino acid conservation, physicochemical variation, residue mobility, and thermodynamic stability) performed at Invitae indicates that this missense variant is not expected to disrupt POT1 protein function with a negative predictive value of 80%. In summary, the available evidence is currently insufficient to determine the role of this variant in disease. Therefore, it has been classified as a Variant of Uncertain Significance.

Ambry Genetics
Classification: Uncertain significance for Hereditary cancer-predisposing syndrome. Last evaluated: 2023-12-01. Review status: criteria provided, single submitter. Criteria: Ambry Variant Classification Scheme 2023. Collection method: clinical testing. Allele origin: germline.
Comment: The p.T616R variant (also known as c.1847C>G), located in coding exon 15 of the POT1 gene, results from a C to G substitution at nucleotide position 1847. The threonine at codon 616 is replaced by arginine, an amino acid with similar properties. This amino acid position is conserved. In addition, this alteration is predicted to be tolerated by in silico analysis. Since supporting evidence is limited at this time, the clinical significance of this alteration remains unclear.

NM_015450.3(POT1):c.1847C>G (p.Thr616Arg)

Gene: POT1 (protection of telomeres 1; minus strand). Cytogenetic location: 7q31.33.
Variant type: single nucleotide variant.
Coding change: c.1847C>G on transcript NM_015450.3 (MANE Select); coding-DNA position 1847, C replaced by G.
Protein change: p.Thr616Arg; replaces threonine 616 with arginine.
Molecular consequence: missense variant. On other transcripts: non-coding transcript variant (3).
Genome position (GRCh38, 1-based): chr7:124,824,020, G>C on the plus strand (C>G on the coding strand, the complement: POT1 is on the minus strand). VCF-style: chr7-124824020-G-C. GRCh37 (hg19) VCF-style: chr7-124464074-G-C.
Other names: c.1847C>G (NM_015450.2); c.1454C>G, p.Thr485Arg (NM_001042594.2); short protein forms T616R, T485R.
Identifiers: ClinVar variation 2159563 (VCV002159563.5), dbSNP rs2485333059, ClinGen allele CA369061174.